The following is an entry in ClinVar:

NM_018834.6(MATR3):c.2213A>G (p.Glu738Gly)

Gene: MATR3 (matrin 3; plus strand). Cytogenetic location: 5q31.2.
Variant type: single nucleotide variant.
Coding change: c.2213A>G on transcript NM_018834.6 (MANE Select); coding-DNA position 2213, A replaced by G.
Protein change: p.Glu738Gly; replaces glutamic acid 738 with glycine.
Molecular consequence: missense variant.
Genome position (GRCh38, 1-based): chr5:139,325,504, A>G. VCF-style: chr5-139325504-A-G. GRCh37 (hg19) VCF-style: chr5-138661193-A-G.
Other names: c.2213A>G, p.Glu738Gly (NM_001194954.2, NM_001194955.2, NM_199189.3); c.1349A>G, p.Glu450Gly (NM_001194956.2); c.1199A>G, p.Glu400Gly (NM_001282278.2); short protein forms E738G, E450G, E400G.
Identifiers: ClinVar variation 569504 (VCV000569504.9), dbSNP rs538917496, ClinGen allele CA3433389.
Genomic context (GRCh38, chr5:139,325,504, plus strand): 5'-ACAAGATCGAGGAACTTGATCAAGAAAACGAAGCAGCGTTGGAAAATGGAATTAAAAATG[A>G]GGAAAACACAGAACCAGGTGCTGAATCTTCTGAGAACGCTGATGATCCCAACAAAGATAC-3'
Protein context (NP_061322.2, residues 728-748): EAALENGIKN[Glu738Gly]ENTEPGAESS

ClinVar aggregate classification (germline): Uncertain significance (1 of 4 stars; one submission).

Conditions:
Amyotrophic lateral sclerosis type 21. Also called: VOCAL CORD AND PHARYNGEAL DYSFUNCTION WITH DISTAL MYOPATHY; MYOPATHY, DISTAL, 2. Identifiers: Orphanet 600, Orphanet 803, MedGen C3807521, MONDO:0011632, OMIM 606070.

Allele frequency attached by ClinVar (database versions not stated): ExAC 0.00001; gnomAD 0.00001 and 0.00002; 1000 Genomes Project 0.00020; 1000 Genomes Project 30x 0.00031.

Submission:

Labcorp Genetics (formerly Invitae), Labcorp
Classification: Uncertain significance for Amyotrophic lateral sclerosis type 21. Last evaluated: 2022-03-09. Review status: criteria provided, single submitter. Criteria: Invitae Variant Classification Sherloc (09022015). Collection method: clinical testing. Allele origin: germline.
Comment: In summary, the available evidence is currently insufficient to determine the role of this variant in disease. Therefore, it has been classified as a Variant of Uncertain Significance. Algorithms developed to predict the effect of missense changes on protein structure and function are either unavailable or do not agree on the potential impact of this missense change (SIFT: "Deleterious"; PolyPhen-2: "Probably Damaging"; Align-GVGD: "Class C0"). ClinVar contains an entry for this variant (Variation ID: 569504). This variant has not been reported in the literature in individuals affected with MATR3-related conditions. The frequency data for this variant in the population databases is considered unreliable, as metrics indicate poor data quality at this position in the gnomAD database. This sequence change replaces glutamic acid, which is acidic and polar, with glycine, which is neutral and non-polar, at codon 738 of the MATR3 protein (p.Glu738Gly).